The following is an entry in ClinVar:

ClinVar aggregate classification (germline): Uncertain significance. Review status: criteria provided, multiple submitters, no conflicts (2 of 4 stars). 3 submissions from 3 submitters: Uncertain significance (3). Last evaluated 2025-11-02.

Conditions:
Prune belly syndrome. Also called: Prune belly. Identifiers: Orphanet 2970, MedGen C0033770, MONDO:0007032, OMIM 100100, HP:0004392.

gnomAD v4.1: 100 of 1,613,700 alleles (0.0062%); highest among the groups gnomAD compares: Non-Finnish European, 0.0083%; no homozygotes.

Submissions (3):

Labcorp Genetics (formerly Invitae), Labcorp
Classification: Uncertain significance. Last evaluated: 2025-11-02. Review status: criteria provided, single submitter. Criteria: Invitae Variant Classification Sherloc (09022015). Collection method: clinical testing. Allele origin: germline.
Comment: This sequence change replaces glutamine, which is neutral and polar, with histidine, which is basic and polar, at codon 430 of the CHRM3 protein (p.Gln430His). This variant is present in population databases (rs574768355, gnomAD 0.008%). This variant has not been reported in the literature in individuals affected with CHRM3-related conditions. ClinVar contains an entry for this variant (Variation ID: 3581832). An algorithm developed to predict the effect of missense changes on protein structure and function outputs the following: PolyPhen-2: "Benign". The histidine amino acid residue is found in multiple mammalian species, which suggests that this missense change does not adversely affect protein function. In summary, the available evidence is currently insufficient to determine the role of this variant in disease. Therefore, it has been classified as a Variant of Uncertain Significance.

Ambry Genetics
Classification: Uncertain significance. Last evaluated: 2025-06-07. Review status: criteria provided, single submitter. Criteria: Ambry Variant Classification Scheme 2023. Collection method: clinical testing. Allele origin: germline.

Fulgent Genetics
Classification: Uncertain significance for Prune belly syndrome. Last evaluated: 2024-04-04. Review status: criteria provided, single submitter. Criteria: ACMG Guidelines, 2015. Collection method: clinical testing. Allele origin: germline.

NM_001375978.1(CHRM3):c.1290G>T (p.Gln430His)

Gene: CHRM3 (cholinergic receptor muscarinic 3; plus strand). Cytogenetic location: 1q43.
Variant type: single nucleotide variant.
Coding change: c.1290G>T on transcript NM_001375978.1 (MANE Select); coding-DNA position 1290, G replaced by T.
Protein change: p.Gln430His; replaces glutamine 430 with histidine.
Molecular consequence: missense variant.
Genome position (GRCh38, 1-based): chr1:239,908,741, G>T. VCF-style: chr1-239908741-G-T. GRCh37 (hg19) VCF-style: chr1-240072041-G-T.
Other names: c.1290G>T (NM_000740.2, NM_000740.3); c.1290G>T, p.Gln430His (NM_000740.4, NM_001347716.2, NM_001375979.1 and 6 more transcripts); short protein forms Q430H.
Identifiers: ClinVar variation 3581832 (VCV003581832.3).